The following is an entry in ClinVar:

ClinVar aggregate classification (germline): Uncertain significance (1 of 4 stars; one submission).

Conditions:
Dystonic disorder. Also called: Dystonia. Identifiers: MedGen C0013421, MONDO:0003441, HP:0001332.

gnomAD v4.1: 16 of 1,613,566 alleles (0.00099%); highest among the groups gnomAD compares: South Asian, 0.016%; no homozygotes.

Submission:

Labcorp Genetics (formerly Invitae), Labcorp
Classification: Uncertain significance for Dystonic disorder. Last evaluated: 2023-01-24. Review status: criteria provided, single submitter. Criteria: Invitae Variant Classification Sherloc (09022015). Collection method: clinical testing. Allele origin: germline.
Comment: This sequence change replaces valine, which is neutral and non-polar, with leucine, which is neutral and non-polar, at codon 172 of the GNAL protein (p.Val172Leu). This variant is present in population databases (rs773047497, gnomAD 0.01%). This missense change has been observed in individual(s) with dystonia (Invitae). Advanced modeling of protein sequence and biophysical properties (such as structural, functional, and spatial information, amino acid conservation, physicochemical variation, residue mobility, and thermodynamic stability) performed at Invitae indicates that this missense variant is not expected to disrupt GNAL protein function. This variant disrupts the p.Val172 amino acid residue in GNAL. Other variant(s) that disrupt this residue have been observed in individuals with GNAL-related conditions (PMID: 24500857; Invitae), which suggests that this may be a clinically significant amino acid residue. In summary, the available evidence is currently insufficient to determine the role of this variant in disease. Therefore, it has been classified as a Variant of Uncertain Significance.

Literature cited by the submitters: PubMed 24500857.

NM_182978.4(GNAL):c.745G>C (p.Val249Leu)

Gene: GNAL (G protein subunit alpha L; plus strand). Cytogenetic location: 18p11.21.
Variant type: single nucleotide variant.
Coding change: c.745G>C on transcript NM_182978.4 (MANE Select); coding-DNA position 745, G replaced by C.
Protein change: p.Val249Leu; replaces valine 249 with leucine.
Molecular consequence: missense variant. On other transcripts: 5 prime UTR variant (1).
Genome position (GRCh38, 1-based): chr18:11,862,417, G>C. VCF-style: chr18-11862417-G-C. GRCh37 (hg19) VCF-style: chr18-11862416-G-C.
Other names: c.514G>C, p.Val172Leu (NM_001142339.3, NM_001261443.2, NM_001369387.1); c.-108G>C (NM_001261444.2); short protein forms V172L, V249L.
Identifiers: ClinVar variation 2073696 (VCV002073696.4), dbSNP rs773047497, ClinGen allele CA8894120.